The following is an entry in ClinVar:

NM_020987.5(ANK3):c.10910A>G (p.His3637Arg)

Gene: ANK3 (ankyrin 3; minus strand). Cytogenetic location: 10q21.2.
Variant type: single nucleotide variant.
Coding change: c.10910A>G on transcript NM_020987.5 (MANE Select); coding-DNA position 10910, A replaced by G.
Protein change: p.His3637Arg; replaces histidine 3637 with arginine.
Molecular consequence: missense variant. On other transcripts: intron variant (4).
Genome position (GRCh38, 1-based): chr10:60,069,971, T>C on the plus strand (A>G on the coding strand, the complement: ANK3 is on the minus strand). VCF-style: chr10-60069971-T-C. GRCh37 (hg19) VCF-style: chr10-61829729-T-C.
Other names: c.4388-1962A>G (NM_001204403.2); c.4409-1962A>G (NM_001204404.2); c.4406-1962A>G (NM_001320874.2); c.1808-1962A>G (NM_001149.4); short protein forms H3637R.
Identifiers: ClinVar variation 3367798 (VCV003367798.1).

ClinVar aggregate classification (germline): Uncertain significance (1 of 4 stars; one submission).

Submission:

GeneDx
Classification: Uncertain significance. Last evaluated: 2024-04-23. Review status: criteria provided, single submitter. Criteria: GeneDx Variant Classification Process June 2021. Collection method: clinical testing. Allele origin: germline. Affected: yes.
Comment: Has been observed as paternally inherited in a patient with autism who also harbored variants in other genes associated with neurodevelopmental disorders; detailed clinical information on this individual or family members was not specified in this report (PMID: 25969726); Not observed at significant frequency in large population cohorts (gnomAD); In silico analysis supports that this missense variant has a deleterious effect on protein structure/function; This variant is associated with the following publications: (PMID: 36777705, 25969726)